The following is an entry in ClinVar:

NM_001009999.3(KDM1A):c.200G>A (p.Arg67Gln)

Gene: KDM1A (lysine demethylase 1A; plus strand). Cytogenetic location: 1p36.12.
Variant type: single nucleotide variant.
Coding change: c.200G>A on transcript NM_001009999.3 (MANE Select); coding-DNA position 200, G replaced by A.
Protein change: p.Arg67Gln; replaces arginine 67 with glutamine.
Molecular consequence: missense variant.
Genome position (GRCh38, 1-based): chr1:23,019,796, G>A. VCF-style: chr1-23019796-G-A. GRCh37 (hg19) VCF-style: chr1-23346289-G-A.
Other names: c.200G>A, p.Arg67Gln (NM_001363654.2, NM_001410762.1, NM_001410763.1 and 1 more transcripts); short protein forms R67Q.
Identifiers: ClinVar variation 4042083 (VCV004042083.1).

ClinVar aggregate classification (germline): Uncertain significance (1 of 4 stars; one submission).

Conditions:
Inborn genetic diseases. Identifiers: MedGen C0950123, MeSH D030342.

Submission:

Ambry Genetics
Classification: Uncertain significance for Inborn genetic diseases. Last evaluated: 2025-04-04. Review status: criteria provided, single submitter. Criteria: Ambry Variant Classification Scheme 2023. Collection method: clinical testing. Allele origin: germline.
Comment: The p.R67Q variant (also known as c.200G>A), located in coding exon 1 of the KDM1A gene, results from a G to A substitution at nucleotide position 200. The arginine at codon 67 is replaced by glutamine, an amino acid with highly similar properties. This amino acid position is conserved. In addition, this alteration is predicted to be tolerated by in silico analysis. Based on the available evidence, the clinical significance of this variant remains unclear.